The following is an entry in ClinVar:

NM_000440.3(PDE6A):c.2269C>T (p.Pro757Ser)

Gene: PDE6A (phosphodiesterase 6A; minus strand). Cytogenetic location: 5q32.
Variant type: single nucleotide variant.
Coding change: c.2269C>T on transcript NM_000440.3 (MANE Select); coding-DNA position 2269, C replaced by T.
Protein change: p.Pro757Ser; replaces proline 757 with serine.
Molecular consequence: missense variant.
Genome position (GRCh38, 1-based): chr5:149,867,730, G>A on the plus strand (C>T on the coding strand, the complement: PDE6A is on the minus strand). VCF-style: chr5-149867730-G-A. GRCh37 (hg19) VCF-style: chr5-149247293-G-A.
Other names: c.2026C>T, p.Pro676Ser (NM_001410788.1); short protein forms P676S, P757S.
Identifiers: ClinVar variation 2112924 (VCV002112924.4), dbSNP rs2480441315, ClinGen allele CA361688550.

ClinVar aggregate classification (germline): Uncertain significance (1 of 4 stars; one submission).

Submission:

Labcorp Genetics (formerly Invitae), Labcorp
Classification: Uncertain significance. Last evaluated: 2022-10-25. Review status: criteria provided, single submitter. Criteria: Invitae Variant Classification Sherloc (09022015). Collection method: clinical testing. Allele origin: germline.
Comment: This variant has not been reported in the literature in individuals affected with PDE6A-related conditions. This sequence change replaces proline, which is neutral and non-polar, with serine, which is neutral and polar, at codon 757 of the PDE6A protein (p.Pro757Ser). This variant is not present in population databases (gnomAD no frequency). Advanced modeling of protein sequence and biophysical properties (such as structural, functional, and spatial information, amino acid conservation, physicochemical variation, residue mobility, and thermodynamic stability) performed at Invitae indicates that this missense variant is expected to disrupt PDE6A protein function. In summary, the available evidence is currently insufficient to determine the role of this variant in disease. Therefore, it has been classified as a Variant of Uncertain Significance.